The following is an entry in ClinVar:

ClinVar aggregate classification (germline): Uncertain significance. Review status: criteria provided, multiple submitters, no conflicts (2 of 4 stars). 3 submissions from 3 submitters: Uncertain significance (2). 1 of the submissions does not count toward it. Last evaluated 2025-07-14.

Conditions:
Inborn genetic diseases. Identifiers: MedGen C0950123, MeSH D030342.
PEX5-related disorder. Also called: PEX5-Related Disorders; PEX5-related condition.
Peroxisome biogenesis disorder 2B (PBD2B). Identifiers: Orphanet 44, MedGen C3550234, MONDO:0008736, OMIM 202370.

Allele frequency attached by ClinVar (database versions not stated): gnomAD exomes 0.00001; ExAC 0.00002; gnomAD 0.00006; ESP Exome Variant Server 0.00008; TOPMed 0.00010.
gnomAD v4.1: 23 of 1,612,964 alleles (0.0014%); highest among the groups gnomAD compares: African/African-American, 0.029%; 1 homozygote.

Submissions (3):

Ambry Genetics
Classification: Uncertain significance for Inborn genetic diseases. Last evaluated: 2025-07-14. Review status: criteria provided, single submitter. Criteria: Ambry Variant Classification Scheme 2023. Collection method: clinical testing. Allele origin: germline.

Labcorp Genetics (formerly Invitae), Labcorp
Classification: Uncertain significance for Peroxisome biogenesis disorder 2B. Last evaluated: 2022-09-01. Review status: criteria provided, single submitter. Criteria: Invitae Variant Classification Sherloc (09022015). Collection method: clinical testing. Allele origin: germline.
Comment: This sequence change replaces serine, which is neutral and polar, with threonine, which is neutral and polar, at codon 461 of the PEX5 protein (p.Ser461Thr). This variant is present in population databases (rs369698308, gnomAD 0.01%). This variant has not been reported in the literature in individuals affected with PEX5-related conditions. ClinVar contains an entry for this variant (Variation ID: 1372623). Algorithms developed to predict the effect of missense changes on protein structure and function (SIFT, PolyPhen-2, Align-GVGD) all suggest that this variant is likely to be tolerated. In summary, the available evidence is currently insufficient to determine the role of this variant in disease. Therefore, it has been classified as a Variant of Uncertain Significance.

PreventionGenetics, part of Exact Sciences
Classification: Uncertain significance for PEX5-related condition. Last evaluated: 2024-07-31. Review status: no assertion criteria provided. Collection method: clinical testing. Allele origin: germline. Not counted in ClinVar's aggregate classification.
Comment: The PEX5 c.1381T>A variant is predicted to result in the amino acid substitution p.Ser461Thr. To our knowledge, this variant has not been reported in the literature. This variant is reported in 0.013% of alleles in individuals of African descent in gnomAD. At this time, the clinical significance of this variant is uncertain due to the absence of conclusive functional and genetic evidence.

NM_001351132.2(PEX5):c.1381T>A (p.Ser461Thr)

Gene: PEX5 (peroxisomal biogenesis factor 5; plus strand). Cytogenetic location: 12p13.31.
Variant type: single nucleotide variant.
Coding change: c.1381T>A on transcript NM_001351132.2 (MANE Select); coding-DNA position 1381, T replaced by A.
Protein change: p.Ser461Thr; replaces serine 461 with threonine.
Molecular consequence: missense variant.
Genome position (GRCh38, 1-based): chr12:7,208,656, T>A. VCF-style: chr12-7208656-T-A. GRCh37 (hg19) VCF-style: chr12-7361252-T-A.
Other names: c.1357T>A, p.Ser453Thr (NM_000319.5); c.1426T>A, p.Ser476Thr (NM_001131023.2); c.1270T>A, p.Ser424Thr (NM_001131024.2, NM_001351124.3, NM_001351126.2 and 7 more transcripts); c.1381T>A, p.Ser461Thr (NM_001131025.2, NM_001131026.2, NM_001300789.3 and 4 more transcripts); c.1246T>A, p.Ser416Thr (NM_001374649.2, NM_001351139.2, NM_001351140.2); c.1315T>A, p.Ser439Thr (NM_001351135.3, NM_001351138.2); c.1372T>A, p.Ser458Thr (NM_001351136.2); c.1381T>A (NM_001131025.1); short protein forms S439T, S453T, S476T, S461T, S416T, S424T, S458T.
Identifiers: ClinVar variation 1372623 (VCV001372623.6), dbSNP rs369698308, ClinGen allele CA6426437.